The following is an entry in ClinVar:

NM_001292063.2(OTOG):c.262C>T (p.Arg88Trp)

Gene: OTOG (otogelin; plus strand). Cytogenetic location: 11p15.1.
Variant type: single nucleotide variant.
Coding change: c.262C>T on transcript NM_001292063.2 (MANE Select); coding-DNA position 262, C replaced by T.
Protein change: p.Arg88Trp; replaces arginine 88 with tryptophan.
Molecular consequence: missense variant.
Genome position (GRCh38, 1-based): chr11:17,552,045, C>T. VCF-style: chr11-17552045-C-T. GRCh37 (hg19) VCF-style: chr11-17573592-C-T.
Other names: c.298C>T (NM_001277269.1); c.298C>T, p.Arg100Trp (NM_001277269.2); short protein forms R100W, R88W.
Identifiers: ClinVar variation 930159 (VCV000930159.6), dbSNP rs1260548574, ClinGen allele CA379809312.

ClinVar aggregate classification (germline): Uncertain significance. Review status: criteria provided, multiple submitters, no conflicts (2 of 4 stars). 3 submissions from 3 submitters: Uncertain significance (3). Last evaluated 2026-06-10.

Conditions:
OTOG-related disorder. Also called: OTOG-related condition.

Allele frequency attached by ClinVar (database versions not stated): gnomAD 0.00001; gnomAD exomes 0.00001; TOPMed 0.00002.

Submissions (3):

PreventionGenetics, part of Exact Sciences
Classification: Uncertain significance for OTOG-related condition. Last evaluated: 2026-06-10. Review status: criteria provided, single submitter. Criteria: ACMG Guidelines, 2015. Collection method: clinical testing. Allele origin: germline.
Comment: The OTOG c.298C>T variant is predicted to result in the amino acid substitution p.Arg100Trp. To our knowledge, this variant has not been reported in the literature. This variant is reported in 0.0044% of alleles in individuals of South Asian descent in gnomAD. At this time, the clinical significance of this variant is uncertain due to the absence of conclusive functional and genetic evidence.

GeneDx
Classification: Uncertain significance. Last evaluated: 2023-02-15. Review status: criteria provided, single submitter. Criteria: GeneDx Variant Classification Process June 2021. Collection method: clinical testing. Allele origin: germline. Affected: yes.
Comment: Not observed at significant frequency in large population cohorts (gnomAD); In silico analysis supports that this missense variant does not alter protein structure/function; Has not been previously published as pathogenic or benign to our knowledge

Laboratory for Molecular Medicine, Mass General Brigham Personalized Medicine
Classification: Uncertain significance. Last evaluated: 2019-10-08. Review status: criteria provided, single submitter. Criteria: LMM Criteria. Collection method: clinical testing. Allele origin: germline. Observed: 1 variant allele.
Comment: The p.Arg100Trp variant in OTOG has not been previously reported in individuals with hearing loss, but has been identified in 0.004% (1/22534) of South Asian chromosomes by gnomAD. Computational prediction tools and conservation analysis suggest that this variant may not impact the protein, though this information is not predictive enough to rule out pathogenicity. In summary, the clinical significance of this variant is uncertain. ACMG/AMP Criteria applied: PM2, BP4.